The following is an entry in ClinVar:

NM_021098.3(CACNA1H):c.2437G>C (p.Glu813Gln)

Gene: CACNA1H (calcium voltage-gated channel subunit alpha1 H; plus strand). Cytogenetic location: 16p13.3.
Variant type: single nucleotide variant.
Coding change: c.2437G>C on transcript NM_021098.3 (MANE Select); coding-DNA position 2437, G replaced by C.
Protein change: p.Glu813Gln; replaces glutamic acid 813 with glutamine.
Molecular consequence: missense variant.
Genome position (GRCh38, 1-based): chr16:1,204,444, G>C. VCF-style: chr16-1204444-G-C. GRCh37 (hg19) VCF-style: chr16-1254444-G-C.
Other names: c.2437G>C, p.Glu813Gln (NM_001005407.2); short protein forms E813Q.
Identifiers: ClinVar variation 845943 (VCV000845943.9), dbSNP rs1555513209, ClinGen allele CA394166625.

ClinVar aggregate classification (germline): Uncertain significance (1 of 4 stars; one submission).

Conditions:
Idiopathic generalized epilepsy. Also called: Generalised epilepsy; EIG. Identifiers: MedGen C0270850, MONDO:0005579, OMIM 600669.
Hyperaldosteronism, familial, type IV (HALD4). Also called: FH IV; ALDOSTERONISM, PRIMARY, AND HYPERTENSION. Identifiers: Orphanet 642671, MedGen C4310756, MONDO:0014875, OMIM 617027.

Submission:

Labcorp Genetics (formerly Invitae), Labcorp
Classification: Uncertain significance for Idiopathic generalized epilepsy; Hyperaldosteronism, familial, type IV. Last evaluated: 2020-01-28. Review status: criteria provided, single submitter. Criteria: Invitae Variant Classification Sherloc (09022015). Collection method: clinical testing. Allele origin: germline.
Comment: Algorithms developed to predict the effect of missense changes on protein structure and function are either unavailable or do not agree on the potential impact of this missense change (SIFT: "Deleterious"; PolyPhen-2: "Probably Damaging"; Align-GVGD: "Class C0"). This variant has not been reported in the literature in individuals with CACNA1H-related conditions. This variant is not present in population databases (ExAC no frequency). This sequence change replaces glutamic acid with glutamine at codon 813 of the CACNA1H protein (p.Glu813Gln). The glutamic acid residue is highly conserved and there is a small physicochemical difference between glutamic acid and glutamine. In summary, the available evidence is currently insufficient to determine the role of this variant in disease. Therefore, it has been classified as a Variant of Uncertain Significance.